The following is an entry in ClinVar:

ClinVar aggregate classification (germline): Pathogenic (1 of 4 stars; one submission).

Submission:

ARUP Laboratories, Molecular Genetics and Genomics, ARUP Laboratories
Classification: Pathogenic. Last evaluated: 2020-10-25. Review status: criteria provided, single submitter. Criteria: ARUP Molecular Germline Variant Investigation Process 2021. Collection method: clinical testing. Allele origin: germline.
Comment: The BMPR2 c.369del; p.Cys123Ter variant, to our knowledge, is not described in the medical literature or in gene specific databases. It is also absent from general population databases (1000 Genomes Project, Exome Variant Server, and Genome Aggregation Database), indicating it is not a common polymorphism. This variant induces an early termination codon and is predicted to result in a truncated protein or mRNA subject to nonsense-mediated decay. Additionally, several downstream truncating variants in BMPR2 have been described in individuals affected with pulmonary arterial hypertension (Machado 2006). Based on available information, the p.Cys123Ter variant is considered to be pathogenic. REFERENCES Machado R et al. Mutations of the TGF-beta type II receptor BMPR2 in pulmonary arterial hypertension. Hum Mutat. 2006 Feb;27(2):121-32.

NM_001204.7(BMPR2):c.369del (p.Leu122_Cys123insTer)

Gene: BMPR2 (bone morphogenetic protein receptor type 2; plus strand). Cytogenetic location: 2q33.1.
Variant type: Deletion.
Coding change: c.369del on transcript NM_001204.7 (MANE Select); coding-DNA position 369, one base deleted (T; older notation c.369delT).
Protein change: p.Leu122_Cys123insTer.
Molecular consequence: nonsense.
Genome position (GRCh38, 1-based): chr2:202,467,640, T deleted. VCF-style (leftmost placement, unchanged base first): chr2-202467639-GT-G. GRCh37 (hg19) VCF-style: chr2-203332362-GT-G.
Identifiers: ClinVar variation 1330492 (VCV001330492.7), dbSNP rs2105962382, ClinGen allele CA2573051835.